The following is an entry in ClinVar:

NM_004787.4(SLIT2):c.3171A>G (p.Pro1057=)

Gene: SLIT2 (slit guidance ligand 2; plus strand). Cytogenetic location: 4p15.31.
Variant type: single nucleotide variant.
Coding change: c.3171A>G on transcript NM_004787.4 (MANE Select); coding-DNA position 3171, A replaced by G.
Protein change: p.Pro1057=; no amino-acid change (proline 1057 retained).
Molecular consequence: synonymous variant.
Genome position (GRCh38, 1-based): chr4:20,589,726, A>G. VCF-style: chr4-20589726-A-G. GRCh37 (hg19) VCF-style: chr4-20591349-A-G.
Other names: c.3159A>G, p.Pro1053= (NM_001289135.3); c.3147A>G, p.Pro1049= (NM_001289136.3).
Identifiers: ClinVar variation 3052013 (VCV003052013.2), dbSNP rs202008549, ClinGen allele CA2872073.

ClinVar aggregate classification (germline): Likely benign (0 of 4 stars; one submission).

Conditions:
SLIT2-related disorder. Also called: SLIT2-related condition.

Allele frequency attached by ClinVar (database versions not stated): ExAC 0.00002; gnomAD 0.00004; TOPMed 0.00005; gnomAD exomes 0.00009.
gnomAD v4.1: 138 of 1,613,030 alleles (0.0086%); highest among the groups gnomAD compares: Non-Finnish European, 0.011%; no homozygotes.

Submission:

PreventionGenetics, part of Exact Sciences
Classification: Likely benign for SLIT2-related condition. Last evaluated: 2020-01-31. Review status: no assertion criteria provided. Collection method: clinical testing. Allele origin: germline.
Comment: This variant is classified as likely benign based on ACMG/AMP sequence variant interpretation guidelines (Richards et al. 2015 PMID: 25741868, with internal and published modifications).